The following is an entry in ClinVar:

NM_016284.5(CNOT1):c.5197C>T (p.Arg1733Cys)

Gene: CNOT1 (CCR4-NOT transcription complex subunit 1; minus strand). Cytogenetic location: 16q21.
Variant type: single nucleotide variant.
Coding change: c.5197C>T on transcript NM_016284.5 (MANE Select); coding-DNA position 5197, C replaced by T.
Protein change: p.Arg1733Cys; replaces arginine 1733 with cysteine.
Molecular consequence: missense variant. On other transcripts: non-coding transcript variant (1).
Genome position (GRCh38, 1-based): chr16:58,538,205, G>A on the plus strand (C>T on the coding strand, the complement: CNOT1 is on the minus strand). VCF-style: chr16-58538205-G-A. GRCh37 (hg19) VCF-style: chr16-58572109-G-A.
Other names: c.5182C>T, p.Arg1728Cys (NM_001265612.2); c.5197C>T (NM_016284.3); short protein forms R1728C, R1733C.
Identifiers: ClinVar variation 4987855 (VCV004987855.2).
Genomic context (GRCh38, chr16:58,538,205, plus strand): 5'-ATTCCTTCCATACCTGCGCTAGGTGAAGATCATACTGCTGCATATTAACCAAATGATTGC[G>A]AATTAGCAGCTCCACAGCCTCCACATTATATTTATATTCATCTCGACATTCAATTAGGCA-3'
Protein context (NP_057368.3, residues 1723-1743): YNVEAVELLI[Arg1733Cys]NHLVNMQQYD

ClinVar aggregate classification (germline): Uncertain significance. Review status: criteria provided, multiple submitters, no conflicts (2 of 4 stars). 2 submissions from 2 submitters: Uncertain significance (2). Last evaluated 2026-06-29.

Conditions:
Inborn genetic diseases. Identifiers: MedGen C0950123, MeSH D030342.
CNOT1-related disorder. Also called: CNOT1-related condition.

gnomAD v4.1: 5 of 1,522,132 alleles (0.00033%); highest among the groups gnomAD compares: East Asian, 0.0045%; no homozygotes.

Submissions (2):

Ambry Genetics
Classification: Uncertain significance for Inborn genetic diseases. Last evaluated: 2026-06-29. Review status: criteria provided, single submitter. Criteria: Ambry Variant Classification Scheme 2023. Collection method: clinical testing. Allele origin: germline.
Comment: The c.5197C>T (p.R1733C) alteration is located in exon 37 (coding exon 36) of the CNOT1 gene. This alteration results from a C to T substitution at nucleotide position 5197, causing the arginine (R) at amino acid position 1733 to be replaced by a cysteine (C). Based on data from gnomAD, the T allele has an overall frequency of <0.001% (1/251302) total alleles studied. The highest observed frequency was 0.003% (1/34592) of Latino alleles. Based on insufficient or conflicting evidence, the clinical significance of this alteration remains unclear.

PreventionGenetics, part of Exact Sciences
Classification: Uncertain significance for CNOT1-related condition. Last evaluated: 2024-11-25. Review status: criteria provided, single submitter. Criteria: ACMG Guidelines, 2015. Collection method: clinical testing. Allele origin: germline.
Comment: The CNOT1 c.5197C>T variant is predicted to result in the amino acid substitution p.Arg1733Cys. To our knowledge, this variant has not been reported in the literature. This variant is reported in 0.0029% of alleles in individuals of Latino descent in gnomAD. At this time, the clinical significance of this variant is uncertain due to the absence of conclusive functional and genetic evidence.